The following is an entry in ClinVar:

ClinVar aggregate classification (germline): Uncertain significance (1 of 4 stars; one submission).

Allele frequency attached by ClinVar (database versions not stated): gnomAD exomes below 0.00001; ExAC 0.00001; TOPMed 0.00001; gnomAD 0.00002 and 0.00003.
gnomAD v4.1: 8 of 1,614,116 alleles (0.0005%); highest among the groups gnomAD compares: African/African-American, 0.004%; no homozygotes.

Submission:

Labcorp Genetics (formerly Invitae), Labcorp
Classification: Uncertain significance. Last evaluated: 2022-11-22. Review status: criteria provided, single submitter. Criteria: Invitae Variant Classification Sherloc (09022015). Collection method: clinical testing. Allele origin: germline.
Comment: In summary, the available evidence is currently insufficient to determine the role of this variant in disease. Therefore, it has been classified as a Variant of Uncertain Significance. Advanced modeling of protein sequence and biophysical properties (such as structural, functional, and spatial information, amino acid conservation, physicochemical variation, residue mobility, and thermodynamic stability) performed at Invitae indicates that this missense variant is not expected to disrupt EXTL3 protein function. ClinVar contains an entry for this variant (Variation ID: 1496043). This variant has not been reported in the literature in individuals affected with EXTL3-related conditions. This variant is not present in population databases (gnomAD no frequency). This sequence change replaces aspartic acid, which is acidic and polar, with asparagine, which is neutral and polar, at codon 502 of the EXTL3 protein (p.Asp502Asn).

NM_001440.4(EXTL3):c.1504G>A (p.Asp502Asn)

Gene: EXTL3 (exostosin like glycosyltransferase 3; plus strand). Cytogenetic location: 8p21.1.
Variant type: single nucleotide variant.
Coding change: c.1504G>A on transcript NM_001440.4 (MANE Select); coding-DNA position 1504, G replaced by A.
Protein change: p.Asp502Asn; replaces aspartic acid 502 with asparagine.
Molecular consequence: missense variant.
Genome position (GRCh38, 1-based): chr8:28,717,563, G>A. VCF-style: chr8-28717563-G-A. GRCh37 (hg19) VCF-style: chr8-28575080-G-A.
Other names: short protein forms D502N.
Identifiers: ClinVar variation 1496043 (VCV001496043.6), dbSNP rs773872905, ClinGen allele CA4696231.
Genomic context (GRCh38, chr8:28,717,563, plus strand): 5'-GCCCTGGTGGTGCCAAAGCCTCGTGTTACCGAGGTTCATTTCCTGCTCAGAAGCCTCTCC[G>A]ATAGTGACCTCCTGGCTATGAGGCGGCAAGGCCGCTTTCTCTGGGAGACTTACTTCTCCA-3'
Protein context (NP_001431.1, residues 492-512): EVHFLLRSLS[Asp502Asn]SDLLAMRRQG